The following is an entry in ClinVar:

ClinVar aggregate classification (germline): Uncertain significance. Review status: criteria provided, multiple submitters, no conflicts (2 of 4 stars). 2 submissions from 2 submitters: Uncertain significance (2). Last evaluated 2023-09-25.

Allele frequency attached by ClinVar (database versions not stated): gnomAD 0.00001 and 0.00004; TOPMed 0.00004; gnomAD exomes 0.00005 and 0.00008; ExAC 0.00018; 1000 Genomes Project 30x 0.00031; 1000 Genomes Project 0.00040.
gnomAD v4.1: 75 of 1,603,784 alleles (0.0047%); highest among the groups gnomAD compares: South Asian, 0.04%; 1 homozygote.

Submissions (2):

Labcorp Genetics (formerly Invitae), Labcorp
Classification: Uncertain significance. Last evaluated: 2023-09-25. Review status: criteria provided, single submitter. Criteria: Invitae Variant Classification Sherloc (09022015). Collection method: clinical testing. Allele origin: germline.
Comment: This sequence change replaces glutamic acid, which is acidic and polar, with lysine, which is basic and polar, at codon 991 of the CACNA2D4 protein (p.Glu991Lys). This variant is present in population databases (rs558680428, gnomAD 0.03%). This variant has not been reported in the literature in individuals affected with CACNA2D4-related conditions. ClinVar contains an entry for this variant (Variation ID: 1502949). An algorithm developed to predict the effect of missense changes on protein structure and function (PolyPhen-2) suggests that this variant is likely to be tolerated. In summary, the available evidence is currently insufficient to determine the role of this variant in disease. Therefore, it has been classified as a Variant of Uncertain Significance.

Blueprint Genetics
Classification: Uncertain significance. Last evaluated: 2023-02-23. Review status: criteria provided, single submitter. Criteria: ACMG Guidelines, 2015. Collection method: clinical testing. Allele origin: germline.

NM_172364.5(CACNA2D4):c.2971G>A (p.Glu991Lys)

Gene: CACNA2D4 (calcium voltage-gated channel auxiliary subunit alpha2delta 4; minus strand). Cytogenetic location: 12p13.33.
Variant type: single nucleotide variant.
Coding change: c.2971G>A on transcript NM_172364.5 (MANE Select); coding-DNA position 2971, G replaced by A.
Protein change: p.Glu991Lys; replaces glutamic acid 991 with lysine.
Molecular consequence: missense variant.
Genome position (GRCh38, 1-based): chr12:1,800,003, C>T on the plus strand (G>A on the coding strand, the complement: CACNA2D4 is on the minus strand). VCF-style: chr12-1800003-C-T. GRCh37 (hg19) VCF-style: chr12-1909169-C-T.
Other names: short protein forms E991K.
Identifiers: ClinVar variation 1502949 (VCV001502949.9), dbSNP rs558680428, ClinGen allele CA6386123.
Genomic context (GRCh38, chr12:1,800,003, plus strand): 5'-AGTGGACCAAAATGCCACTGCTCTTCAGCACATGGCCCTGCAGCTCCGTGCACTCACCCT[C>T]GGCCCCTCTGTCGTACCAGGAGCCCCAGACACTCCACTCCAGCAGGAACCTGTCAGACAC-3'
Protein context (NP_758952.4, residues 981-1001): VWGSWYDRGA[Glu991Lys]AKSVFHHSHK